The following is an entry in ClinVar:

ClinVar aggregate classification (germline): Benign/Likely benign. Review status: criteria provided, multiple submitters, no conflicts (2 of 4 stars). 3 submissions from 3 submitters: Benign (1); Likely benign (1). 1 of the submissions does not count toward it. Last evaluated 2026-01-19.

Conditions:
ADAMTSL4-related disorder. Also called: ADAMTSL4-Related Disorders; ADAMTSL4-related condition.

Allele frequency attached by ClinVar (database versions not stated): TOPMed 0.00015; 1000 Genomes Project 30x 0.00016; 1000 Genomes Project 0.00020; ESP Exome Variant Server 0.00023; gnomAD exomes 0.00033 and 0.00038; ExAC 0.00035; gnomAD 0.00039 and 0.00041.
gnomAD v4.1: 625 of 1,614,124 alleles (0.039%); highest among the groups gnomAD compares: Non-Finnish European, 0.036%; no homozygotes.

Submissions (3):

Labcorp Genetics (formerly Invitae), Labcorp
Classification: Benign. Last evaluated: 2026-01-19. Review status: criteria provided, single submitter. Criteria: Invitae Variant Classification Sherloc (09022015). Collection method: clinical testing. Allele origin: germline.

Blueprint Genetics
Classification: Likely benign. Last evaluated: 2024-08-08. Review status: criteria provided, single submitter. Criteria: ACMG Guidelines, 2015. Collection method: clinical testing. Allele origin: germline.

PreventionGenetics, part of Exact Sciences
Classification: Likely benign for ADAMTSL4-related condition. Last evaluated: 2021-12-03. Review status: no assertion criteria provided. Collection method: clinical testing. Allele origin: germline. Not counted in ClinVar's aggregate classification.
Comment: This variant is classified as likely benign based on ACMG/AMP sequence variant interpretation guidelines (Richards et al. 2015 PMID: 25741868, with internal and published modifications).

NM_019032.6(ADAMTSL4):c.3171C>T (p.Thr1057=)

Gene: ADAMTSL4 (ADAMTS like 4; plus strand). Cytogenetic location: 1q21.2.
Variant type: single nucleotide variant.
Coding change: c.3171C>T on transcript NM_019032.6 (MANE Select); coding-DNA position 3171, C replaced by T.
Protein change: p.Thr1057=; no amino-acid change (threonine 1057 retained).
Molecular consequence: synonymous variant.
Genome position (GRCh38, 1-based): chr1:150,560,142, C>T. VCF-style: chr1-150560142-C-T. GRCh37 (hg19) VCF-style: chr1-150532618-C-T.
Other names: c.3054C>T, p.Thr1018= (NM_001288607.2); c.3240C>T, p.Thr1080= (NM_001288608.2); c.3171C>T, p.Thr1057= (NM_001378596.1).
Identifiers: ClinVar variation 775056 (VCV000775056.12), dbSNP rs200074772, ClinGen allele CA1078973.